The following is an entry in ClinVar:

ClinVar aggregate classification (germline): Likely benign. Review status: criteria provided, multiple submitters, no conflicts (2 of 4 stars). 2 submissions from 2 submitters: Likely benign (2). Last evaluated 2025-12-23.

Allele frequency attached by ClinVar (database versions not stated): ExAC 0.00003; gnomAD exomes 0.00003; gnomAD 0.00005; TOPMed 0.00006; ESP Exome Variant Server 0.00008.
gnomAD v4.1: 55 of 1,613,766 alleles (0.0034%); highest among the groups gnomAD compares: Middle Eastern, 0.017%; no homozygotes.

Submissions (2):

Labcorp Genetics (formerly Invitae), Labcorp
Classification: Likely benign. Last evaluated: 2025-12-23. Review status: criteria provided, single submitter. Criteria: Invitae Variant Classification Sherloc (09022015). Collection method: clinical testing. Allele origin: germline.

GeneDx
Classification: Likely benign. Last evaluated: 2018-03-01. Review status: criteria provided, single submitter. Criteria: GeneDx Variant Classification (06012015). Collection method: clinical testing. Allele origin: germline. Affected: yes.
Comment: This variant is considered likely benign or benign based on one or more of the following criteria: it is a conservative change, it occurs at a poorly conserved position in the protein, it is predicted to be benign by multiple in silico algorithms, and/or has population frequency not consistent with disease.

NM_001457.4(FLNB):c.4287C>T (p.Pro1429=)

Gene: FLNB (filamin B; plus strand). Cytogenetic location: 3p14.3.
Variant type: single nucleotide variant.
Coding change: c.4287C>T on transcript NM_001457.4 (MANE Select); coding-DNA position 4287, C replaced by T.
Protein change: p.Pro1429=; no amino-acid change (proline 1429 retained).
Molecular consequence: synonymous variant.
Genome position (GRCh38, 1-based): chr3:58,130,805, C>T. VCF-style: chr3-58130805-C-T. GRCh37 (hg19) VCF-style: chr3-58116532-C-T.
Other names: c.4287C>T, p.Pro1429= (NM_001164317.2, NM_001164318.2, NM_001164319.2).
Identifiers: ClinVar variation 515887 (VCV000515887.5), dbSNP rs376873981, ClinGen allele CA2468712.
Genomic context (GRCh38, chr3:58,130,805, plus strand): 5'-CCCCTTCAGGGTTCCTGTGAAGGATGTTGTGGACCCCAGCAAGGTCAAGATTGCCGGCCC[C>T]GGGCTGGGCTCAGGCGTCCGAGCCCGTGTCCTGCAGTCCTTCACGGTGGACAGCAGCAAG-3'
Protein context (NP_001448.2, residues 1419-1439): VDPSKVKIAG[Pro1429=]GLGSGVRARV